The following is an entry in ClinVar:

NM_001034853.2(RPGR):c.2350_2368del (p.Glu784fs)

Gene: RPGR (retinitis pigmentosa GTPase regulator; minus strand). Cytogenetic location: Xp11.4.
Variant type: Deletion.
Coding change: c.2350_2368del on transcript NM_001034853.2 (MANE Select); coding-DNA positions 2350 to 2368, 19 bases deleted (GAGGAGAAAGGAGAGGAAG).
Protein change: p.Glu784fs; shifts the reading frame from glutamic acid 784.
Molecular consequence: frameshift variant. On other transcripts: intron variant (8).
Genome position (GRCh38, 1-based): chrX:38,286,631-38,286,649, CTTCCTCTCCTTTCTCCTC deleted on the plus strand (GAGGAGAAAGGAGAGGAAG on the coding strand, the reverse complement: RPGR is on the minus strand); deleting any 19 consecutive bases within chrX:38,286,631-38,286,654 gives the same sequence; the c. name uses the placement nearest the transcript's 3' end. VCF-style (leftmost placement, unchanged base first): chrX-38286630-TCTTCCTCTCCTTTCTCCTC-T. GRCh37 (hg19) VCF-style: chrX-38145883-TCTTCCTCTCCTTTCTCCTC-T.
Other names: c.1569+4310_1569+4328del (NM_001367249.1, NM_001367250.1); c.1902+445_1902+463del (NM_001367245.1); c.1386+4310_1386+4328del (NM_001367251.1); c.1719+445_1719+463del (NM_001367246.1); c.1572+4310_1572+4328del (NM_001367247.1); c.1905+445_1905+463del (NM_000328.3); c.1602+4310_1602+4328del (NM_001367248.1); short protein forms E784fs.
Identifiers: ClinVar variation 2095400 (VCV002095400.4), dbSNP rs2519791604, ClinGen allele CA2580100921.

ClinVar aggregate classification (germline): Pathogenic (1 of 4 stars; one submission).

Conditions:
Primary ciliary dyskinesia. Also called: Ciliary dyskinesia. Identifiers: Orphanet 244, MedGen C0008780, MONDO:0016575, HP:0012265.

Submission:

Labcorp Genetics (formerly Invitae), Labcorp
Classification: Pathogenic for Primary ciliary dyskinesia. Last evaluated: 2022-07-23. Review status: criteria provided, single submitter. Criteria: Invitae Variant Classification Sherloc (09022015). Collection method: clinical testing. Allele origin: germline.
Comment: For these reasons, this variant has been classified as Pathogenic. This variant disrupts a region of the RPGR (ORF15) protein in which other variant(s) (p.Leu1130Lysfs*13) have been determined to be pathogenic (PMID: 22264887; Invitae). This suggests that this is a clinically significant region of the protein, and that variants that disrupt it are likely to be disease-causing. This variant has not been reported in the literature in individuals affected with RPGR (ORF15)-related conditions. This variant is not present in population databases (gnomAD no frequency). This sequence change creates a premature translational stop signal (p.Glu784Lysfs*25) in the RPGR (ORF15) gene. While this is not anticipated to result in nonsense mediated decay, it is expected to disrupt the last 369 amino acid(s) of the RPGR (ORF15) protein.

Literature cited by the submitters: PubMed 22264887.